The following is an entry in ClinVar:

ClinVar aggregate classification (germline): Conflicting classifications of pathogenicity. Review status: criteria provided, conflicting classifications (1 of 4 stars). 12 submissions from 12 submitters: Pathogenic (1); Likely pathogenic (1); Uncertain significance (9); Likely benign (1). Last evaluated 2026-01-18.

Conditions:
Basal cell carcinoma, susceptibility to, 1. Also called: BCC1. Identifiers: MedGen C2751544, MONDO:0011556, OMIM 605462.
Basal cell nevus syndrome 1 (BCNS1). Also called: GORLIN-GOLTZ SYNDROME; MULTIPLE BASAL CELL NEVI, ODONTOGENIC KERATOCYSTS, AND SKELETAL ANOMALIES. Identifiers: MedGen CN376810, MONDO:0958174, OMIM 109400.
Holoprosencephaly 7 (HPE7). Identifiers: Orphanet 2162, MedGen C1835820, MONDO:0012562, OMIM 610828.
Hereditary cancer-predisposing syndrome. Also called: Tumor predisposition; Neoplastic Syndromes, Hereditary; Hereditary neoplastic syndrome; Hereditary Cancer Syndrome. Identifiers: Orphanet 140162, MedGen C0027672, MeSH D009386, MONDO:0015356.
Gorlin syndrome. Also called: Nevoid Basal Cell Carcinoma Syndrome; Basal cell nevus syndrome. Identifiers: Orphanet 377, MedGen C0004779, MONDO:0007187.
PTCH1-related disorder. Also called: PTCH1-related disorders; PTCH1-related condition.

Allele frequency attached by ClinVar (database versions not stated): gnomAD exomes below 0.00001 and 0.00006; ExAC 0.00001; gnomAD 0.00001; TOPMed 0.00002; ESP Exome Variant Server 0.00008.

Submissions (12):

Labcorp Genetics (formerly Invitae), Labcorp
Classification: Uncertain significance for Gorlin syndrome. Last evaluated: 2026-01-18. Review status: criteria provided, single submitter. Criteria: Invitae Variant Classification Sherloc (09022015). Collection method: clinical testing. Allele origin: germline.
Comment: This sequence change affects an acceptor splice site in intron 2 of the PTCH1 gene. RNA analysis indicates that disruption of this splice site induces altered splicing and likely results in the loss of 2 amino acid residue(s), but is expected to preserve the integrity of the reading-frame. This variant is present in population databases (rs368869806, gnomAD 0.0009%). This variant has not been reported in the literature in individuals with PTCH1-related disease. However, it has been observed in several individuals who do not exhibit clinical features consistent with PTCH1-related conditions (internal data). ClinVar contains an entry for this variant (Variation ID: 162510). Studies have shown that disruption of this splice site results in the activation of a cryptic splice site in exon 3 (internal data). In summary, the available evidence is currently insufficient to determine the role of this variant in disease. Therefore, it has been classified as a Variant of Uncertain Significance.

PreventionGenetics, part of Exact Sciences
Classification: Uncertain significance for PTCH1-related condition. Last evaluated: 2025-12-18. Review status: criteria provided, single submitter. Criteria: ACMG Guidelines, 2015. Collection method: clinical testing. Allele origin: germline.
Comment: The PTCH1 c.395-1G>A variant is predicted to disrupt the AG splice acceptor site and interfere with normal splicing. This variant was reported in an individual with recurring esthesioneuroblastoma (case 8, Gay et al. 2017. PubMed ID: 28495808). This variant is reported in 0.00088% of alleles in individuals of European (non-Finnish) descent in gnomAD and has conflicting interpretations regarding its pathogenicity in ClinVar, ranging from likely benign to pathogenic (Variation ID: 162510). This variant is expected to disrupt the canonical splice acceptor site in intron 2; however, a second cryptic acceptor site located 6 bases into exon 3 may be used to restore splicing. This would result in a deletion of only 2 amino acids, and would preserve the reading frame of the protein. The functional consequences of this cryptic splice site are unknown. At this time, the clinical significance of this variant is uncertain due to the absence of conclusive functional and genetic evidence.

GeneDx
Classification: Uncertain significance. Last evaluated: 2025-05-05. Review status: criteria provided, single submitter. Criteria: GeneDx Variant Classification Process June 2021. Collection method: clinical testing. Allele origin: germline. Affected: yes.
Comment: Canonical splice site variant with an unclear effect on protein function; Reported as an incidental finding identified through exome sequencing and no clinical information was provided (PMID: 25637381); Not observed at significant frequency in large population cohorts (gnomAD); In silico analysis supports a deleterious effect on splicing; This variant is associated with the following publications: (PMID: 28495808, 30820324, 25637381)

Quest Diagnostics Nichols Institute San Juan Capistrano
Classification: Uncertain significance. Last evaluated: 2025-03-28. Review status: criteria provided, single submitter. Criteria: Quest Diagnostics criteria. Collection method: clinical testing. Allele origin: unknown.
Comment: The PTCH1 c.395-1G>A variant disrupts a canonical splice-acceptor site and is predicted to interfere with normal PTCH1 mRNA splicing. This variant has been reported in the published literature in an individual with esthesioneuroblastoma (PMID: 28495808 (2017)) and in an individual with breast cancer (PMID: 35884425 (2022)). The frequency of this variant in the general population (Genome Aggregation Database) is uninformative in the assessment of its pathogenicity. Analysis of this variant using software algorithms for the prediction of the effect of nucleotide changes on PTCH1 mRNA splicing yielded inconclusive findings. Based on the available information, we are unable to determine the clinical significance of this variant.

ARUP Laboratories, Molecular Genetics and Genomics, ARUP Laboratories
Classification: Uncertain significance. Last evaluated: 2024-09-27. Review status: criteria provided, single submitter. Criteria: ARUP Molecular Germline Variant Investigation Process 2024. Collection method: clinical testing. Allele origin: germline.
Comment: The PTCH1 c.395-1G>A variant (rs368869806, ClinVar Variation ID: 162510) is reported in the literature in single individuals affected with esthesioneuroblastoma (Gay 2017), but has not been reported in patients with nevoid basal cell carcinoma syndrome associated with PTCH1 haploinsufficiency. This variant is only observed on one allele in the Genome Aggregation Database (v2.1.1), indicating it is not a common polymorphism. This variant disrupts the canonical splice acceptor site of intron 2; however, computational predictors also suggest that this variant simultaneously strengthens a cryptic acceptor site located 6 bases into the exon (Alamut Visual Plus v.1.5.1). If utilized, this cryptic acceptor would result in a deletion of 2 amino acids, but leave the rest of the peptide in-frame. Due to conflicting information, the clinical significance of this variant is uncertain at this time. References: Gay LM et al. Comprehensive Genomic Profiling of Esthesioneuroblastoma Reveals Additional Treatment Options. Oncologist. 2017 Jul;22(7):834-842. PMID: 28495808

Fulgent Genetics
Classification: Uncertain significance for Basal cell nevus syndrome 1; Basal cell carcinoma, susceptibility to, 1; Holoprosencephaly 7. Last evaluated: 2024-05-29. Review status: criteria provided, single submitter. Criteria: ACMG Guidelines, 2015. Collection method: clinical testing. Allele origin: germline.

Daryl Scott Lab, Baylor College of Medicine
Classification: Uncertain significance for PTCH1-related disorder. Last evaluated: 2024-01-01. Review status: criteria provided, single submitter. Criteria: ACMG Guidelines, 2015. Collection method: clinical testing. Allele origin: paternal. Observed: 1 heterozygote.
Comment: PVS1, BS3, PP3

Baylor Genetics
Classification: Uncertain significance for Basal cell carcinoma, susceptibility to, 1. Last evaluated: 2023-12-18. Review status: criteria provided, single submitter. Criteria: ACMG Guidelines, 2015. Collection method: clinical testing. Allele origin: unknown.

Ambry Genetics
Classification: Likely benign for Hereditary cancer-predisposing syndrome. Last evaluated: 2022-03-09. Review status: criteria provided, single submitter. Criteria: Ambry Variant Classification Scheme 2023. Collection method: clinical testing. Allele origin: germline.

St. Jude Molecular Pathology, St. Jude Children's Research Hospital
Classification: Uncertain significance for Gorlin syndrome. Last evaluated: 2021-12-09. Review status: criteria provided, single submitter. Criteria: St. Jude Assertion Criteria 2020. Collection method: clinical testing. Allele origin: germline.
Comment: The PTCH1 c.395-1G>A intronic change results from a G to A substitution at the -1 position of intron 2 of the PTCH1 gene. This variant is predicted to result in disruption of the native splice site at c.395 and creation of an alternative splice acceptor site at c.401, where use of the alternative splice site would not result in nonsense-mediated decay or aberrant protein, but instead an in-frame deletion of two amino acids. RNA data is consistent with these predictions; half of the reads with the variant use the natural splice site at c.395 and the other half use the alternative splice junction at c.401 which results in the deletion of two amino acids (PVS1_moderate; internal data). Nonsense-mediated decay was not observed (internal data). This variant has a maximum subpopulation frequency of 0.00088% in gnomAD v2.1.1 (PM2_supporting). This variant has not been reported in the literature in individuals with PTCH1-related disease. However, it has been observed in individuals who do not have a personal or family history of PTCH1-related disease (internal data). In summary, this variant meets criteria to be classified as of uncertain significance based on the ACMG/AMP criteria: PVS1_moderate, PM2_supporting.

Undiagnosed Diseases Network, NIH
Classification: Pathogenic for Basal cell nevus syndrome 1. Last evaluated: 2016-03-17. Review status: criteria provided, single submitter. Criteria: ACMG Guidelines, 2015. Collection method: clinical testing. Allele origin: paternal. Inheritance: Autosomal dominant inheritance. Affected: yes. Observed: 1 variant allele, 1 heterozygote. Study: Undiagnosed Diseases Network (NIH), UDN.

CSER _CC_NCGL, University of Washington
Classification: Likely pathogenic for Basal cell nevus syndrome. Last evaluated: 2014-06-01. Review status: criteria provided, single submitter. Criteria: Amendola et al. (Genome Res. 2015). Collection method: research. Allele origin: germline. Inheritance: Autosomal dominant inheritance. Study: ESP 6500 variant annotation.
Comment: Variants classified for the Actionable exomic incidental findings in 6503 participants: challenges of variant classification manuscript

Literature cited by the submitters: PubMed 31506931 (cited by Quest Diagnostics Nichols Institute San Juan Capistrano); PubMed 32483240 (cited by Quest Diagnostics Nichols Institute San Juan Capistrano); PubMed 35884425 (cited by Quest Diagnostics Nichols Institute San Juan Capistrano); PubMed 25637381 (cited by Quest Diagnostics Nichols Institute San Juan Capistrano); PubMed 28495808 (cited by Quest Diagnostics Nichols Institute San Juan Capistrano).

NM_000264.5(PTCH1):c.395-1G>A

Gene: PTCH1 (patched 1; minus strand). Cytogenetic location: 9q22.32.
Variant type: single nucleotide variant.
Coding change: c.395-1G>A on transcript NM_000264.5 (MANE Select); the canonical splice acceptor site of the intron before coding-DNA position 395, G replaced by A.
Molecular consequence: splice acceptor variant.
Genome position (GRCh38, 1-based): chr9:95,485,875, C>T on the plus strand (G>A on the coding strand, the complement: PTCH1 is on the minus strand). VCF-style: chr9-95485875-C-T. GRCh37 (hg19) VCF-style: chr9-98248157-C-T.
Other names: c.395-1G>A (NM_000264.4, NM_001354918.2); c.392-1G>A (NM_001083603.3); c.197-1G>A (NM_001083602.3, NM_001354919.2); c.-59-1G>A (NM_001083605.3, NM_001083604.3, NM_001083606.3 and 1 more transcripts).
Identifiers: ClinVar variation 162510 (VCV000162510.34), dbSNP rs368869806, ClinGen allele CA233400.